The following is an entry in ClinVar:

NM_001039348.3(EFEMP1):c.523G>A (p.Asp175Asn)

Gene: EFEMP1 (EGF-like fibulin extracellular matrix protein 1; minus strand). Cytogenetic location: 2p16.1.
Variant type: single nucleotide variant.
Coding change: c.523G>A on transcript NM_001039348.3 (MANE Select); coding-DNA position 523, G replaced by A.
Protein change: p.Asp175Asn; replaces aspartic acid 175 with asparagine.
Molecular consequence: missense variant.
Genome position (GRCh38, 1-based): chr2:55,881,729, C>T on the plus strand (G>A on the coding strand, the complement: EFEMP1 is on the minus strand). VCF-style: chr2-55881729-C-T. GRCh37 (hg19) VCF-style: chr2-56108864-C-T.
Other names: c.523G>A, p.Asp175Asn (NM_001039349.3); short protein forms D175N.
Identifiers: ClinVar variation 971502 (VCV000971502.9), dbSNP rs184503723, ClinGen allele CA1668909.

ClinVar aggregate classification (germline): Conflicting classifications of pathogenicity. Review status: criteria provided, conflicting classifications (1 of 4 stars). 2 submissions from 2 submitters: Uncertain significance (1); Likely benign (1). Last evaluated 2024-10-22.

Allele frequency attached by ClinVar (database versions not stated): TOPMed below 0.00001; gnomAD 0.00001 and 0.00003; gnomAD exomes 0.00001 and 0.00006; ExAC 0.00005; 1000 Genomes Project 0.00080; 1000 Genomes Project 30x 0.00094.
gnomAD v4.1: 15 of 1,613,888 alleles (0.00093%); highest among the groups gnomAD compares: East Asian, 0.027%; no homozygotes.

Submissions (2):

Blueprint Genetics
Classification: Likely benign. Last evaluated: 2024-10-22. Review status: criteria provided, single submitter. Criteria: ACMG Guidelines, 2015. Collection method: clinical testing. Allele origin: germline.

Labcorp Genetics (formerly Invitae), Labcorp
Classification: Uncertain significance. Last evaluated: 2023-02-26. Review status: criteria provided, single submitter. Criteria: Invitae Variant Classification Sherloc (09022015). Collection method: clinical testing. Allele origin: germline.
Comment: In summary, the available evidence is currently insufficient to determine the role of this variant in disease. Therefore, it has been classified as a Variant of Uncertain Significance. Advanced modeling of protein sequence and biophysical properties (such as structural, functional, and spatial information, amino acid conservation, physicochemical variation, residue mobility, and thermodynamic stability) performed at Invitae indicates that this missense variant is not expected to disrupt EFEMP1 protein function. ClinVar contains an entry for this variant (Variation ID: 971502). This variant has not been reported in the literature in individuals affected with EFEMP1-related conditions. This variant is present in population databases (rs184503723, gnomAD 0.05%). This sequence change replaces aspartic acid, which is acidic and polar, with asparagine, which is neutral and polar, at codon 175 of the EFEMP1 protein (p.Asp175Asn).